The following is an entry in ClinVar:

ClinVar aggregate classification (germline): Uncertain significance (1 of 4 stars; one submission).

Conditions:
Bloom syndrome (BLM). Also called: Bloom-Torre-Machacek syndrome. Identifiers: Orphanet 125, MedGen C0005859, MONDO:0008876, OMIM 210900.

Submission:

Labcorp Genetics (formerly Invitae), Labcorp
Classification: Uncertain significance for Bloom syndrome. Last evaluated: 2018-07-24. Review status: criteria provided, single submitter. Criteria: Invitae Variant Classification Sherloc (09022015). Collection method: clinical testing. Allele origin: germline.
Comment: This sequence change results in a premature translational stop signal in the BLM gene (p.Asn1406*). While this is not anticipated to result in nonsense mediated decay, it is expected to disrupt the last 12 amino acids of the BLM protein. This variant is not present in population databases (ExAC no frequency). This variant has not been reported in the literature in individuals with BLM-related disease. Experimental studies and prediction algorithms are not available for this variant, and the functional significance of the deleted amino acids is currently unknown. In summary, the available evidence is currently insufficient to determine the role of this variant in disease. Therefore, it has been classified as a Variant of Uncertain Significance.

NM_000057.4(BLM):c.4216_4217del (p.Ile1405_Asn1406insTer)

Gene: BLM (BLM RecQ like helicase; plus strand). Cytogenetic location: 15q26.1.
Variant type: Deletion.
Coding change: c.4216_4217del on transcript NM_000057.4 (MANE Select); coding-DNA positions 4216 to 4217, 2 bases deleted (AA; older notation c.4216_4217delAA).
Protein change: p.Ile1405_Asn1406insTer.
Molecular consequence: nonsense.
Genome position (GRCh38, 1-based): chr15:90,815,241-90,815,242, AA deleted; deleting any 2 consecutive bases within chr15:90,815,240-90,815,242 gives the same sequence; the c. name uses the placement nearest the transcript's 3' end. VCF-style (leftmost placement, unchanged base first): chr15-90815239-TAA-T. GRCh37 (hg19) VCF-style: chr15-91358469-TAA-T.
Other names: c.4216_4217del, p.Ile1405_Asn1406insTer (NM_001287246.2); c.3823_3824del, p.Ile1274_Asn1275insTer (NM_001287247.2); c.3091_3092del, p.Ile1030_Asn1031insTer (NM_001287248.2).
Identifiers: ClinVar variation 565493 (VCV000565493.8), dbSNP rs1567069065, ClinGen allele CA891843638.